The following is an entry in ClinVar:

ClinVar aggregate classification (germline): Pathogenic (1 of 4 stars; one submission).

Conditions:
Polycystic kidney disease, adult type (PKD1). Also called: POLYCYSTIC KIDNEY DISEASE, ADULT, TYPE I; Polycystic Kidney Disease 1, Autosomal Dominant; Polycystic kidney disease 1; Polycystic kidney disease 1, severe; Polycystic Kidney, Autosomal Dominant; POLYCYSTIC KIDNEY DISEASE 1 WITH OR WITHOUT POLYCYSTIC LIVER DISEASE. Identifiers: MedGen C3149841, MONDO:0008263, OMIM 173900.

Submission:

Juno Genomics, Hangzhou Juno Genomics, Inc
Classification: Pathogenic for Polycystic kidney disease, adult type. Review status: criteria provided, single submitter. Criteria: ACMG Guidelines, 2015. Collection method: clinical testing. Allele origin: germline. Affected: yes.
Comment: Absent from controls (or at extremely low frequency if recessive) in Genome Aggregation Database, Exome Sequencing Project, 1000 Genomes Project, or Exome Aggregation Consortium.;Null variant in a gene where loss of function (LOF) is a known mechanism of disease.;Patient's phenotype or family history is highly specific for a disease with a single genetic etiology.

NM_001009944.3(PKD1):c.968_972del (p.His323fs)

Gene: PKD1 (polycystin 1, transient receptor potential channel interacting; minus strand). Cytogenetic location: 16p13.3.
Variant type: Deletion.
Coding change: c.968_972del on transcript NM_001009944.3 (MANE Select); coding-DNA positions 968 to 972, 5 bases deleted (ATCGC; older notation c.968_972delATCGC).
Protein change: p.His323fs; shifts the reading frame from histidine 323.
Molecular consequence: frameshift variant.
Genome position (GRCh38, 1-based): chr16:2,118,020-2,118,024, GCGAT deleted on the plus strand (ATCGC on the coding strand, the reverse complement: PKD1 is on the minus strand); deleting any 5 consecutive bases within chr16:2,118,020-2,118,028 gives the same sequence; the c. name uses the placement nearest the transcript's 3' end. VCF-style (leftmost placement, unchanged base first): chr16-2118019-AGCGAT-A. GRCh37 (hg19) VCF-style: chr16-2168020-AGCGAT-A.
Other names: c.968_972del, p.His323fs (NM_000296.4); short protein forms H323fs.
Identifiers: ClinVar variation 3382207 (VCV003382207.2).